The following is an entry in ClinVar:

ClinVar aggregate classification (germline): Uncertain significance (1 of 4 stars; one submission).

Submission:

GeneDx
Classification: Uncertain significance. Last evaluated: 2023-12-07. Review status: criteria provided, single submitter. Criteria: GeneDx Variant Classification Process June 2021. Collection method: clinical testing. Allele origin: germline. Affected: yes.
Comment: Not observed at significant frequency in large population cohorts (gnomAD); In silico analysis supports that this missense variant has a deleterious effect on protein structure/function; Has not been previously published as pathogenic or benign to our knowledge

NM_002069.6(GNAI1):c.583C>T (p.His195Tyr)

Gene: GNAI1 (G protein subunit alpha i1; plus strand). Cytogenetic location: 7q21.11.
Variant type: single nucleotide variant.
Coding change: c.583C>T on transcript NM_002069.6 (MANE Select); coding-DNA position 583, C replaced by T.
Protein change: p.His195Tyr; replaces histidine 195 with tyrosine.
Molecular consequence: missense variant.
Genome position (GRCh38, 1-based): chr7:80,203,825, C>T. VCF-style: chr7-80203825-C-T. GRCh37 (hg19) VCF-style: chr7-79833141-C-T.
Other names: c.427C>T, p.His143Tyr (NM_001256414.2); short protein forms H143Y, H195Y.
Identifiers: ClinVar variation 3252324 (VCV003252324.1), dbSNP rs2484443150.